The following is an entry in ClinVar:

ClinVar aggregate classification (germline): Uncertain significance. Review status: criteria provided, multiple submitters, no conflicts (2 of 4 stars). 2 submissions from 2 submitters: Uncertain significance (2). Last evaluated 2024-06-29.

Conditions:
Colorectal cancer, hereditary nonpolyposis, type 7. Identifiers: Orphanet 144, MedGen C1858380, MONDO:0013725, OMIM 614385.

Allele frequency attached by ClinVar (database versions not stated): gnomAD exomes below 0.00001; gnomAD 0.00001.
gnomAD v4.1: 2 of 1,613,318 alleles (0.00012%); highest among the groups gnomAD compares: African/African-American, 0.0013%; no homozygotes.

Submissions (2):

Labcorp Genetics (formerly Invitae), Labcorp
Classification: Uncertain significance for Colorectal cancer, hereditary nonpolyposis, type 7. Last evaluated: 2024-06-29. Review status: criteria provided, single submitter. Criteria: Invitae Variant Classification Sherloc (09022015). Collection method: clinical testing. Allele origin: germline.
Comment: This sequence change replaces asparagine, which is neutral and polar, with serine, which is neutral and polar, at codon 589 of the MLH3 protein (p.Asn589Ser). This variant is not present in population databases (gnomAD no frequency). This variant has not been reported in the literature in individuals affected with MLH3-related conditions. Algorithms developed to predict the effect of missense changes on protein structure and function output the following: SIFT: "Not Available"; PolyPhen-2: "Benign"; Align-GVGD: "Not Available". The serine amino acid residue is found in multiple mammalian species, which suggests that this missense change does not adversely affect protein function. In summary, the available evidence is currently insufficient to determine the role of this variant in disease. Therefore, it has been classified as a Variant of Uncertain Significance.

Ambry Genetics
Classification: Uncertain significance. Last evaluated: 2023-09-15. Review status: criteria provided, single submitter. Criteria: Ambry Variant Classification Scheme 2023. Collection method: clinical testing. Allele origin: germline.
Comment: The p.N589S variant (also known as c.1766A>G), located in coding exon 1 of the MLH3 gene, results from an A to G substitution at nucleotide position 1766. The asparagine at codon 589 is replaced by serine, an amino acid with highly similar properties. This amino acid position is conserved. In addition, this alteration is predicted to be tolerated by in silico analysis. Since supporting evidence is limited at this time, the clinical significance of this alteration remains unclear.

NM_001040108.2(MLH3):c.1766A>G (p.Asn589Ser)

Gene: MLH3 (mutL homolog 3; minus strand). Cytogenetic location: 14q24.3.
Variant type: single nucleotide variant.
Coding change: c.1766A>G on transcript NM_001040108.2 (MANE Select); coding-DNA position 1766, A replaced by G.
Protein change: p.Asn589Ser; replaces asparagine 589 with serine.
Molecular consequence: missense variant.
Genome position (GRCh38, 1-based): chr14:75,047,890, T>C on the plus strand (A>G on the coding strand, the complement: MLH3 is on the minus strand). VCF-style: chr14-75047890-T-C. GRCh37 (hg19) VCF-style: chr14-75514593-T-C.
Other names: c.1766A>G, p.Asn589Ser (NM_014381.3); short protein forms N589S.
Identifiers: ClinVar variation 3232454 (VCV003232454.3), dbSNP rs1892367423, ClinGen allele CA390444382.
Genomic context (GRCh38, chr14:75,047,890, plus strand): 5'-ATAAAGCCAGTGGAACATAATTTAACTCGCCCATAACTAAAAACATTTCTTCTTCCACAA[T>C]TGCTAGATTCTTTTTTTTTCTCTTTCTCTGTCTGAGCACTATGTACTCCCCATAATGTTG-3'
Protein context (NP_001035197.1, residues 579-599): TEKEKKKESS[Asn589Ser]CGRRNVFSYG